The following is an entry in ClinVar:

ClinVar aggregate classification (germline): Uncertain significance. Review status: criteria provided, multiple submitters, no conflicts (2 of 4 stars). 2 submissions from 2 submitters: Uncertain significance (2). Last evaluated 2026-01-30.

Allele frequency attached by ClinVar (database versions not stated): ExAC 0.00002; TOPMed 0.00006.
gnomAD v4.1: 61 of 1,610,394 alleles (0.0038%); highest among the groups gnomAD compares: Non-Finnish European, 0.0048%; no homozygotes.

Submissions (2):

Dasa
Classification: Uncertain significance. Last evaluated: 2026-01-30. Review status: criteria provided, single submitter. Criteria: DASA Assertion Criteria. Collection method: clinical testing. Allele origin: germline.
Comment: NM_000901.5(NR3C2):c.2153C>T (p.Ser718Leu) is a missense variant that results in the substitution of serine with leucine. This variant is rare in population databases. The currently available literature and clinical evidence are not sufficient to establish a definitive association between this variant and the reported condition. Therefore, this variant is classified as a variant of uncertain significance.

Women's Health and Genetics/Laboratory Corporation of America, LabCorp
Classification: Uncertain significance. Last evaluated: 2024-01-10. Review status: criteria provided, single submitter. Criteria: LabCorp Variant Classification Summary - May 2015. Collection method: clinical testing. Allele origin: germline.
Comment: Variant summary: NR3C2 c.2153C>T (p.Ser718Leu) results in a non-conservative amino acid change in the encoded protein sequence. Four of five in-silico tools predict a damaging effect of the variant on protein function. The variant allele was found at a frequency of 2.4e-05 in 250522 control chromosomes. The available data on variant occurrences in the general population are insufficient to allow any conclusion about variant significance. To our knowledge, no occurrence of c.2153C>T in individuals affected with NR3C2-Related Disorders and no experimental evidence demonstrating its impact on protein function have been reported. No submitters have cited clinical-significance assessments for this variant to ClinVar. Based on the evidence outlined above, the variant was classified as uncertain significance.

NM_000901.5(NR3C2):c.2153C>T (p.Ser718Leu)

Gene: NR3C2 (nuclear receptor subfamily 3 group C member 2; minus strand). Cytogenetic location: 4q31.23.
Variant type: single nucleotide variant.
Coding change: c.2153C>T on transcript NM_000901.5 (MANE Select); coding-DNA position 2153, C replaced by T.
Protein change: p.Ser718Leu; replaces serine 718 with leucine.
Molecular consequence: missense variant. On other transcripts: intron variant (2).
Genome position (GRCh38, 1-based): chr4:148,154,763, G>A on the plus strand (C>T on the coding strand, the complement: NR3C2 is on the minus strand). VCF-style: chr4-148154763-G-A. GRCh37 (hg19) VCF-style: chr4-149075914-G-A.
Other names: c.2015-2150C>T (NM_001354819.1, NM_001166104.2); short protein forms S718L.
Identifiers: ClinVar variation 3063829 (VCV003063829.3), dbSNP rs749442977, ClinGen allele CA3100150.